The following is an entry in ClinVar:

NM_006767.4(LZTR1):c.2035C>A (p.Pro679Thr)

Gene: LZTR1 (leucine zipper like post translational regulator 1; plus strand). Cytogenetic location: 22q11.21.
Variant type: single nucleotide variant.
Coding change: c.2035C>A on transcript NM_006767.4 (MANE Select); coding-DNA position 2035, C replaced by A.
Protein change: p.Pro679Thr; replaces proline 679 with threonine.
Molecular consequence: missense variant.
Genome position (GRCh38, 1-based): chr22:20,995,838, C>A. VCF-style: chr22-20995838-C-A. GRCh37 (hg19) VCF-style: chr22-21350127-C-A.
Other names: short protein forms P679T.
Identifiers: ClinVar variation 3238192 (VCV003238192.1), dbSNP rs1434258545.

ClinVar aggregate classification (germline): Uncertain significance (1 of 4 stars; one submission).

Conditions:
Hereditary cancer-predisposing syndrome. Also called: Neoplastic Syndromes, Hereditary; Tumor predisposition; Hereditary neoplastic syndrome; Hereditary Cancer Syndrome. Identifiers: Orphanet 140162, MedGen C0027672, MeSH D009386, MONDO:0015356.
Cardiovascular phenotype. Identifiers: MedGen CN230736.

Submission:

Ambry Genetics
Classification: Uncertain significance for Cardiovascular phenotype; Hereditary cancer-predisposing syndrome. Last evaluated: 2022-05-02. Review status: criteria provided, single submitter. Criteria: Ambry Variant Classification Scheme 2023. Collection method: clinical testing. Allele origin: germline.
Comment: The p.P679T variant (also known as c.2035C>A), located in coding exon 17 of the LZTR1 gene, results from a C to A substitution at nucleotide position 2035. The proline at codon 679 is replaced by threonine, an amino acid with highly similar properties. This amino acid position is conserved. In addition, this alteration is predicted to be deleterious by in silico analysis. Since supporting evidence is limited at this time, the clinical significance of this alteration remains unclear.